The following is an entry in ClinVar:

NM_002691.4(POLD1):c.2089G>A (p.Ala697Thr)

Gene: POLD1 (DNA polymerase delta 1, catalytic subunit; plus strand). Cytogenetic location: 19q13.33.
Variant type: single nucleotide variant.
Coding change: c.2089G>A on transcript NM_002691.4 (MANE Select); coding-DNA position 2089, G replaced by A.
Protein change: p.Ala697Thr; replaces alanine 697 with threonine.
Molecular consequence: missense variant. On other transcripts: non-coding transcript variant (1).
Genome position (GRCh38, 1-based): chr19:50,409,601, G>A. VCF-style: chr19-50409601-G-A. GRCh37 (hg19) VCF-style: chr19-50912858-G-A.
Other names: c.2089G>A, p.Ala697Thr (NM_001256849.1); c.2167G>A, p.Ala723Thr (NM_001308632.1); short protein forms A697T, A723T.
Identifiers: ClinVar variation 2903030 (VCV002903030.3), dbSNP rs1306540639, ClinGen allele CA406982598.

ClinVar aggregate classification (germline): Uncertain significance (1 of 4 stars; one submission).

Conditions:
POLD1-related polyposis and colorectal cancer syndrome (CRCS10). Also called: Colorectal cancer 10; COLORECTAL CANCER, SUSCEPTIBILITY TO, ON CHROMOSOME 19q; Colorectal cancer, susceptibility to, 10. Identifiers: Orphanet 220460, MedGen C2675481, MONDO:0012953, OMIM 612591.

Allele frequency attached by ClinVar (database versions not stated): gnomAD exomes below 0.00001.
gnomAD v4.1: 6 of 1,613,300 alleles (0.00037%); highest among the groups gnomAD compares: Non-Finnish European, 0.00042%; no homozygotes.

Submission:

Labcorp Genetics (formerly Invitae), Labcorp
Classification: Uncertain significance for POLD1-related polyposis and colorectal cancer syndrome. Last evaluated: 2026-01-19. Review status: criteria provided, single submitter. Criteria: Invitae Variant Classification Sherloc (09022015). Collection method: clinical testing. Allele origin: germline.
Comment: This sequence change replaces alanine, which is neutral and non-polar, with threonine, which is neutral and polar, at codon 697 of the POLD1 protein (p.Ala697Thr). This variant is not present in population databases (gnomAD no frequency). This variant has not been reported in the literature in individuals affected with POLD1-related conditions. ClinVar contains an entry for this variant (Variation ID: 2903030). Invitae Evidence Modeling of protein sequence and biophysical properties (such as structural, functional, and spatial information, amino acid conservation, physicochemical variation, residue mobility, and thermodynamic stability) indicates that this missense variant is not expected to disrupt POLD1 protein function with a negative predictive value of 80%. Studies have shown that this missense change is associated with inconclusive levels of altered splicing (internal data). In summary, the available evidence is currently insufficient to determine the role of this variant in disease. Therefore, it has been classified as a Variant of Uncertain Significance.